The following is an entry in ClinVar:

ClinVar aggregate classification (germline): Uncertain significance (1 of 4 stars; one submission).

Allele frequency attached by ClinVar (database versions not stated): TOPMed below 0.00001; gnomAD 0.00001.
gnomAD v4.1: 3 of 1,614,046 alleles (0.00019%); highest among the groups gnomAD compares: Non-Finnish European, 0.00025%; no homozygotes.

Submission:

GeneDx
Classification: Uncertain significance. Last evaluated: 2019-09-27. Review status: criteria provided, single submitter. Criteria: GeneDx Variant Classification Process June 2021. Collection method: clinical testing. Allele origin: germline. Affected: yes.
Comment: Not observed in large population cohorts (Lek et al., 2016); In silico analysis, which includes protein predictors and evolutionary conservation, supports a deleterious effect; Has not been previously published as pathogenic or benign to our knowledge

NM_170606.3(KMT2C):c.7309C>T (p.Pro2437Ser)

Gene: KMT2C (lysine methyltransferase 2C; minus strand). Cytogenetic location: 7q36.1.
Variant type: single nucleotide variant.
Coding change: c.7309C>T on transcript NM_170606.3 (MANE Select); coding-DNA position 7309, C replaced by T.
Protein change: p.Pro2437Ser; replaces proline 2437 with serine.
Molecular consequence: missense variant.
Genome position (GRCh38, 1-based): chr7:152,179,967, G>A on the plus strand (C>T on the coding strand, the complement: KMT2C is on the minus strand). VCF-style: chr7-152179967-G-A. GRCh37 (hg19) VCF-style: chr7-151877052-G-A.
Other names: short protein forms P2437S.
Identifiers: ClinVar variation 1303946 (VCV001303946.2), dbSNP rs1463885204, ClinGen allele CA370088815.